The following is an entry in ClinVar:

ClinVar aggregate classification (germline): Uncertain significance. Review status: criteria provided, multiple submitters, no conflicts (2 of 4 stars). 5 submissions from 5 submitters: Uncertain significance (5). Last evaluated 2026-05-26.

Conditions:
Rienhoff syndrome. Also called: LOEYS-DIETZ SYNDROME 5. Identifiers: MedGen C3810012, MONDO:0014262, OMIM 615582.
Arrhythmogenic right ventricular dysplasia 1. Identifiers: Orphanet 3403, MedGen C1862511, MONDO:0007152, OMIM 107970.
TGFB3-related disorder. Also called: TGFB3-related condition.

Allele frequency attached by ClinVar (database versions not stated): gnomAD exomes below 0.00001 and 0.00001; TOPMed 0.00001; ESP Exome Variant Server 0.00008.

Submissions (5):

Women's Health and Genetics/Laboratory Corporation of America, LabCorp
Classification: Uncertain significance. Last evaluated: 2026-05-26. Review status: criteria provided, single submitter. Criteria: LabCorp Variant Classification Summary - May 2015. Collection method: clinical testing. Allele origin: germline.
Comment: Variant summary: TGFB3 c.1A>G (p.Met1Val) alters the initiation codon and is predicted to result either in absence of the protein or truncation of the encoded protein due to translation initiation at a downstream codon. The next in-frame methionine is located at codon 3. The variant allele was found at a frequency of 4e-06 in 250560 control chromosomes. The available data on variant occurrences in the general population are insufficient to allow any conclusion about variant significance. To our knowledge, no occurrence of c.1A>G in individuals affected with TGFB3-related conditions and no experimental evidence demonstrating its impact on protein function have been reported. ClinVar contains an entry for this variant (Variation ID: 579100). Based on the evidence outlined above, the variant was classified as uncertain significance.

PreventionGenetics, part of Exact Sciences
Classification: Uncertain significance for TGFB3-related condition. Last evaluated: 2026-04-09. Review status: criteria provided, single submitter. Criteria: ACMG Guidelines, 2015. Collection method: clinical testing. Allele origin: germline.
Comment: The TGFB3 c.1A>G variant is predicted to disrupt the translation initiation site (Start Loss). However, note that there is a potential alternate start site downstream at p.Met3. To our knowledge, this variant has not been reported in the literature. This variant is reported in 0.00088% of alleles in individuals of European (Non-Finnish) descent in gnomAD. At this time, the clinical significance of this variant is uncertain due to the absence of conclusive functional and genetic evidence.

Labcorp Genetics (formerly Invitae), Labcorp
Classification: Uncertain significance for Rienhoff syndrome. Last evaluated: 2025-12-02. Review status: criteria provided, single submitter. Criteria: Invitae Variant Classification Sherloc (09022015). Collection method: clinical testing. Allele origin: germline.
Comment: This sequence change affects the initiator codon of the TGFB3 mRNA. This change may impact translation initiation or efficiency. The next in-frame methionine is located at codon 3. This variant is present in population databases (rs375153534, gnomAD 0.0009%). Disruption of the initiator codon has been observed in individual(s) with clinical features of TGFB3-related conditions (internal data). ClinVar contains an entry for this variant (Variation ID: 579100). Experimental studies and prediction algorithms are not available or were not evaluated, and the functional significance of this variant is currently unknown. In summary, the available evidence is currently insufficient to determine the role of this variant in disease. Therefore, it has been classified as a Variant of Uncertain Significance.

GeneDx
Classification: Uncertain significance. Last evaluated: 2024-04-15. Review status: criteria provided, single submitter. Criteria: GeneDx Variant Classification Process June 2021. Collection method: clinical testing. Allele origin: germline. Affected: yes.
Comment: Not observed at significant frequency in large population cohorts (gnomAD); Has not been previously published as pathogenic or benign to our knowledge

Fulgent Genetics
Classification: Uncertain significance for Arrhythmogenic right ventricular dysplasia 1; Rienhoff syndrome. Last evaluated: 2022-02-01. Review status: criteria provided, single submitter. Criteria: ACMG Guidelines, 2015. Collection method: clinical testing. Allele origin: unknown.

NM_003239.5(TGFB3):c.1A>G (p.Met1Val)

Gene: TGFB3 (transforming growth factor beta 3; minus strand). Cytogenetic location: 14q24.3.
Variant type: single nucleotide variant.
Coding change: c.1A>G on transcript NM_003239.5 (MANE Select); coding-DNA position 1, A replaced by G.
Protein change: p.Met1Val; changes the start codon (methionine 1).
Molecular consequence: missense variant, initiator codon variant.
Genome position (GRCh38, 1-based): chr14:75,980,893, T>C on the plus strand (A>G on the coding strand, the complement: TGFB3 is on the minus strand). VCF-style: chr14-75980893-T-C. GRCh37 (hg19) VCF-style: chr14-76447236-T-C.
Other names: c.1A>G (NM_003239.4); c.1A>G, p.Met1Val (NM_001329938.2, NM_001329939.2); short protein forms M1V.
Identifiers: ClinVar variation 579100 (VCV000579100.20), dbSNP rs375153534, ClinGen allele CA263712391.
Genomic context (GRCh38, chr14:75,980,893, plus strand): 5'-TGACCGTGGCAAAGTTCAGCAGGGCCAGGACCACCAGAGCCCTTTGCAAGTGCATCTTCA[T>C]GTGTGAGCTGGGAAGAGAGGCCAGGGGGACGGCAAGGCCTGGAGAGGAAGAGACCCCAGC-3'
Protein context (NP_003230.1, residues 1-11): [Met1Val]KMHLQRALVV